The following is an entry in ClinVar:

NM_000441.2(SLC26A4):c.1341+2T>C

Gene: SLC26A4 (solute carrier family 26 member 4; plus strand). Cytogenetic location: 7q22.3.
Variant type: single nucleotide variant.
Coding change: c.1341+2T>C on transcript NM_000441.2 (MANE Select); the canonical splice donor site of the intron after coding-DNA position 1341, T replaced by C.
Molecular consequence: splice donor variant.
Genome position (GRCh38, 1-based): chr7:107,694,482, T>C. VCF-style: chr7-107694482-T-C. GRCh37 (hg19) VCF-style: chr7-107334927-T-C.
Identifiers: ClinVar variation 3601738 (VCV003601738.1).

ClinVar aggregate classification (germline): Pathogenic (1 of 4 stars; one submission).

Conditions:
Autosomal recessive nonsyndromic hearing loss 4 (DFNB4). Also called: Deafness, autosomal recessive 4; FOXI1-Related Pendred Syndrome; KCNJ10-Related Pendred Syndrome; DEAFNESS, AUTOSOMAL RECESSIVE 4, WITH ENLARGED VESTIBULAR AQUEDUCT, DIGENIC; NEUROSENSORY NONSYNDROMIC RECESSIVE DEAFNESS 4; Nonsyndromic enlarged vestibular aqueduct (NSEVA). Identifiers: Orphanet 90636, MedGen C3538946, MONDO:0010933, OMIM 600791.

Submission:

Institute of Rare Diseases, West China Hospital, Sichuan University
Classification: Pathogenic for Autosomal recessive nonsyndromic hearing loss 4. Last evaluated: 2025-01-09. Review status: criteria provided, single submitter. Criteria: ClinGen HL ACMG Specifications v1. Collection method: research. Allele origin: germline. Affected: yes.
Comment: PVS1;PM3;PP4;PM2_Supporting